The following is an entry in ClinVar:

NM_000548.5(TSC2):c.3102C>T (p.Val1034=)

Gene: TSC2 (TSC complex subunit 2; plus strand). Cytogenetic location: 16p13.3.
Variant type: single nucleotide variant.
Coding change: c.3102C>T on transcript NM_000548.5 (MANE Select); coding-DNA position 3102, C replaced by T.
Protein change: p.Val1034=; no amino-acid change (valine 1034 retained).
Molecular consequence: synonymous variant.
Genome position (GRCh38, 1-based): chr16:2,079,167, C>T. VCF-style: chr16-2079167-C-T. GRCh37 (hg19) VCF-style: chr16-2129168-C-T.
Other names: c.2970C>T, p.Val990= (NM_001077183.3, NM_001370404.1); c.3102C>T, p.Val1034= (NM_001114382.3); c.2862C>T, p.Val954= (NM_001318827.2); c.2826C>T, p.Val942= (NM_001318829.2); c.2370C>T, p.Val790= (NM_001318831.2); c.3003C>T, p.Val1001= (NM_001318832.2); c.2973C>T, p.Val991= (NM_001363528.2, NM_001370405.1, NM_021055.3).
Identifiers: ClinVar variation 238012 (VCV000238012.48), dbSNP rs562998574, ClinGen allele CA044239.
Genomic context (GRCh38, chr16:2,079,167, plus strand): 5'-CCTGAAAAACCTCCACCTGGAGCTCACGGAAACCTGTCTGGACATGATGGCTCGATACGT[C>T]TTCTCCAACTTCACGGCTGTCCCGAAGAGGTCCAGGCGGCACTACAGGGCTGGGCGGGCC-3'
Protein context (NP_000539.2, residues 1024-1044): ETCLDMMARY[Val1034=]FSNFTAVPKR

ClinVar aggregate classification (germline): Conflicting classifications of pathogenicity. Review status: criteria provided, conflicting classifications (1 of 4 stars). 10 submissions from 10 submitters: Uncertain significance (2); Benign (1); Likely benign (7). Last evaluated 2026-01-02.

Conditions:
Tuberous sclerosis syndrome (TSC). Also called: Tuberous Sclerosis Complex; Tuberous sclerosis. Identifiers: Orphanet 805, MedGen C0041341, MONDO:0001734.
Hereditary cancer-predisposing syndrome. Also called: Tumor predisposition; Hereditary Cancer Syndrome; Neoplastic Syndromes, Hereditary; Hereditary neoplastic syndrome. Identifiers: Orphanet 140162, MedGen C0027672, MeSH D009386, MONDO:0015356.
Tuberous sclerosis 2 (TSC2). Identifiers: Orphanet 805, MedGen C1860707, MONDO:0013199, OMIM 613254.

gnomAD v4.1: 18 of 1,612,974 alleles (0.0011%); highest among the groups gnomAD compares: East Asian, 0.016%; no homozygotes.

Submissions (10):

Labcorp Genetics (formerly Invitae), Labcorp
Classification: Likely benign for Tuberous sclerosis 2. Last evaluated: 2026-01-02. Review status: criteria provided, single submitter. Criteria: Invitae Variant Classification Sherloc (09022015). Collection method: clinical testing. Allele origin: germline.

Myriad Genetics, Inc.
Classification: Benign for Tuberous sclerosis 2. Last evaluated: 2025-05-27. Review status: criteria provided, single submitter. Criteria: Myriad Autosomal Dominant, Autosomal Recessive and X-Linked Classification Criteria (2023). Collection method: clinical testing. Allele origin: unknown.
Comment: This variant is considered benign. This variant is a silent/synonymous amino acid change and it is not expected to impact splicing.

Quest Diagnostics Nichols Institute San Juan Capistrano
Classification: Uncertain significance. Last evaluated: 2024-10-09. Review status: criteria provided, single submitter. Criteria: Quest Diagnostics criteria. Collection method: clinical testing. Allele origin: unknown.
Comment: The TSC2 c.3102C>T (p.Val1034=) synonymous variant has not been reported in individuals with TSC2-related conditions in the published literature. The frequency of this variant in the general population, 0.000016 (4/250580 chromosomes (Genome Aggregation Database)), is uninformative in the assessment of its pathogenicity. Analysis of this variant using software algorithms for the prediction of the effect of nucleotide changes on splicing yielded predictions that this variant does not affect TSC2 mRNA splicing. Based on the available information, we are unable to determine the clinical significance of this variant.

Blueprint Genetics
Classification: Likely benign. Last evaluated: 2024-07-29. Review status: criteria provided, single submitter. Criteria: ACMG Guidelines, 2015. Collection method: clinical testing. Allele origin: germline.

All of Us Research Program, National Institutes of Health
Classification: Likely benign for Tuberous sclerosis syndrome. Last evaluated: 2023-11-30. Review status: criteria provided, single submitter. Criteria: ACMG Guidelines, 2015. Collection method: clinical testing. Allele origin: germline. Inheritance: Autosomal dominant inheritance. Observed: 6 variant alleles, 6 heterozygotes.
Comment: This study involves interpretation of variants in research participants for the purpose of population health screening. Participant phenotype was not available at the time of variant classification. Additional details can be found in publication PMID: 35346344, PMCID: PMC8962531

Color Diagnostics, LLC DBA Color Health
Classification: Likely benign for Tuberous sclerosis syndrome. Last evaluated: 2022-09-28. Review status: criteria provided, single submitter. Criteria: ACMG Guidelines, 2015. Collection method: clinical testing. Allele origin: germline.

CeGaT Center for Human Genetics Tuebingen
Classification: Likely benign. Last evaluated: 2022-03-01. Review status: criteria provided, single submitter. Criteria: CeGaT Center For Human Genetics Tuebingen Variant Classification Criteria Version 2. Collection method: clinical testing. Allele origin: germline. Affected: yes. Observed: 1 variant allele.
Comment: TSC2: BP4, BP7

Genome-Nilou Lab
Classification: Likely benign for Tuberous sclerosis 2. Last evaluated: 2021-11-07. Review status: criteria provided, single submitter. Criteria: ACMG Guidelines, 2015. Collection method: clinical testing. Allele origin: germline. Affected: no.

GeneDx
Classification: Uncertain significance. Last evaluated: 2021-04-22. Review status: criteria provided, single submitter. Criteria: GeneDx Variant Classification Process June 2021. Collection method: clinical testing. Allele origin: germline. Affected: yes.
Comment: Has not been previously published as pathogenic or benign to our knowledge; In-silico analysis is inconclusive as to whether the variant alters gene splicing. In the absence of RNA/functional studies, the actual effect of this sequence change is unknown.

Ambry Genetics
Classification: Likely benign for Hereditary cancer-predisposing syndrome. Last evaluated: 2020-02-19. Review status: criteria provided, single submitter. Criteria: Ambry Variant Classification Scheme 2023. Collection method: clinical testing. Allele origin: germline.